The following is an entry in ClinVar:

NM_003073.5(SMARCB1):c.735C>G (p.Ile245Met)

Gene: SMARCB1 (SWI/SNF related BAF chromatin remodeling complex subunit B1; plus strand). Cytogenetic location: 22q11.23.
Variant type: single nucleotide variant.
Coding change: c.735C>G on transcript NM_003073.5 (MANE Select); coding-DNA position 735, C replaced by G.
Protein change: p.Ile245Met; replaces isoleucine 245 with methionine.
Molecular consequence: missense variant.
Genome position (GRCh38, 1-based): chr22:23,816,876, C>G. VCF-style: chr22-23816876-C-G. GRCh37 (hg19) VCF-style: chr22-24159063-C-G.
Other names: c.708C>G, p.Ile236Met (NM_001007468.3); c.762C>G, p.Ile254Met (NM_001317946.2); c.789C>G, p.Ile263Met (NM_001362877.2); short protein forms I236M, I245M, I254M, I263M.
Identifiers: ClinVar variation 4805976 (VCV004805976.1).
Genomic context (GRCh38, chr22:23,816,876, plus strand): 5'-TCTGGATTTGAACCCGCTGACGTTTGTGCCAGCCATCGCCTCTGCCATCAGACAGCAGAT[C>G]GAGTCCTACCCCACGGACAGCATCCTGGAGGACCAGTCAGACCAGCGCGTCATCATCAAG-3'
Protein context (NP_003064.2, residues 235-255): PAIASAIRQQ[Ile245Met]ESYPTDSILE

ClinVar aggregate classification (germline): Uncertain significance (1 of 4 stars; one submission).

gnomAD v4.1: 3 of 1,614,026 alleles (0.00019%); highest among the groups gnomAD compares: South Asian, 0.0033%; no homozygotes.

Submission:

Labcorp Genetics (formerly Invitae), Labcorp
Classification: Uncertain significance. Last evaluated: 2025-10-21. Review status: criteria provided, single submitter. Criteria: Invitae Variant Classification Sherloc (09022015). Collection method: clinical testing. Allele origin: germline.
Comment: This sequence change replaces isoleucine, which is neutral and non-polar, with methionine, which is neutral and non-polar, at codon 245 of the SMARCB1 protein (p.Ile245Met). This variant is not present in population databases (gnomAD no frequency). This variant has not been reported in the literature in individuals affected with SMARCB1-related conditions. Invitae Evidence Modeling of protein sequence and biophysical properties (such as structural, functional, and spatial information, amino acid conservation, physicochemical variation, residue mobility, and thermodynamic stability) has been performed for this missense variant. However, the output from this modeling did not meet the statistical confidence thresholds required to predict the impact of this variant on SMARCB1 protein function. In summary, the available evidence is currently insufficient to determine the role of this variant in disease. Therefore, it has been classified as a Variant of Uncertain Significance.